The following is an entry in ClinVar:

NM_005708.5(GPC6):c.694G>A (p.Ala232Thr)

Genes: GPC6 (glypican 6; plus strand), GPC6-AS2 (GPC6 antisense RNA 2; minus strand). Cytogenetic location: 13q31.3.
Variant type: single nucleotide variant.
Coding change: c.694G>A on transcript NM_005708.5 (MANE Select); coding-DNA position 694, G replaced by A.
Protein change: p.Ala232Thr; replaces alanine 232 with threonine.
Molecular consequence: missense variant.
Genome position (GRCh38, 1-based): chr13:93,830,528, G>A. VCF-style: chr13-93830528-G-A. GRCh37 (hg19) VCF-style: chr13-94482781-G-A.
Other names: c.694G>A (NM_005708.3); short protein forms A232T.
Identifiers: ClinVar variation 2139727 (VCV002139727.5), dbSNP rs1887444633, ClinGen allele CA388465865.
Genomic context (GRCh38, chr13:93,830,528, plus strand): 5'-ACCCGCGCCTTCATTGCTGCCAGGACCTTTGTCCAGGGGCTGACTGTGGGCAGAGAAGTT[G>A]CAAACCGAGTTTCCAAGGTAATTGAAAACGTGCTTTCTTTCTCATTGGTGTTCCTTGTTT-3'
Protein context (NP_005699.1, residues 222-242): VQGLTVGREV[Ala232Thr]NRVSKVSPTP

ClinVar aggregate classification (germline): Uncertain significance. Review status: criteria provided, multiple submitters, no conflicts (2 of 4 stars). 2 submissions from 2 submitters: Uncertain significance (2). Last evaluated 2025-08-03.

Conditions:
Inborn genetic diseases. Identifiers: MedGen C0950123, MeSH D030342.

Allele frequency attached by ClinVar (database versions not stated): gnomAD exomes below 0.00001.
gnomAD v4.1: 3 of 1,601,258 alleles (0.00019%); highest among the groups gnomAD compares: Non-Finnish European, 0.00017%; no homozygotes.

Submissions (2):

Ambry Genetics
Classification: Uncertain significance for Inborn genetic diseases. Last evaluated: 2025-08-03. Review status: criteria provided, single submitter. Criteria: Ambry Variant Classification Scheme 2023. Collection method: clinical testing. Allele origin: germline.

Labcorp Genetics (formerly Invitae), Labcorp
Classification: Uncertain significance. Last evaluated: 2022-08-23. Review status: criteria provided, single submitter. Criteria: Invitae Variant Classification Sherloc (09022015). Collection method: clinical testing. Allele origin: germline.
Comment: In summary, the available evidence is currently insufficient to determine the role of this variant in disease. Therefore, it has been classified as a Variant of Uncertain Significance. Algorithms developed to predict the effect of missense changes on protein structure and function (SIFT, PolyPhen-2, Align-GVGD) all suggest that this variant is likely to be tolerated. This variant has not been reported in the literature in individuals affected with GPC6-related conditions. This variant is not present in population databases (gnomAD no frequency). This sequence change replaces alanine, which is neutral and non-polar, with threonine, which is neutral and polar, at codon 232 of the GPC6 protein (p.Ala232Thr).